The following is an entry in ClinVar:

ClinVar aggregate classification (germline): Uncertain significance (1 of 4 stars; one submission).

Submission:

Labcorp Genetics (formerly Invitae), Labcorp
Classification: Uncertain significance. Last evaluated: 2025-01-28. Review status: criteria provided, single submitter. Criteria: Invitae Variant Classification Sherloc (09022015). Collection method: clinical testing. Allele origin: germline.
Comment: This sequence change replaces glycine, which is neutral and non-polar, with glutamic acid, which is acidic and polar, at codon 1809 of the COL7A1 protein (p.Gly1809Glu). This variant is not present in population databases (gnomAD no frequency). This variant has not been reported in the literature in individuals affected with COL7A1-related conditions. Experimental studies and prediction algorithms are not available or were not evaluated, and the functional significance of this variant is currently unknown. This variant disrupts the triple helix domain of COL7A1. Glycine residues within the Gly-Xaa-Yaa repeats of the triple helix domain are required for the structure and stability of fibrillar collagens (PMID: 7695699, 8218237, 19344236), and variants at these glycine residues in COL7A1 are more frequently observed in individuals with disease than in the general population (PMID: 22058051). However, the clinical significance of this observation remains uncertain since only a limited number of affected individuals have been described to date. In summary, the available evidence is currently insufficient to determine the role of this variant in disease. Therefore, it has been classified as a Variant of Uncertain Significance.

Literature cited by the submitters: PubMed 7695699; PubMed 8218237; PubMed 19344236; PubMed 22058051.

NM_000094.4(COL7A1):c.5426G>A (p.Gly1809Glu)

Gene: COL7A1 (collagen type VII alpha 1 chain; minus strand). Cytogenetic location: 3p21.31.
Variant type: single nucleotide variant.
Coding change: c.5426G>A on transcript NM_000094.4 (MANE Select); coding-DNA position 5426, G replaced by A.
Protein change: p.Gly1809Glu; replaces glycine 1809 with glutamic acid.
Molecular consequence: missense variant.
Genome position (GRCh38, 1-based): chr3:48,578,514, C>T on the plus strand (G>A on the coding strand, the complement: COL7A1 is on the minus strand). VCF-style: chr3-48578514-C-T. GRCh37 (hg19) VCF-style: chr3-48615947-C-T.
Other names: short protein forms G1809E.
Identifiers: ClinVar variation 3662480 (VCV003662480.2).